The following is an entry in ClinVar:

ClinVar aggregate classification (germline): Uncertain significance (1 of 4 stars; one submission).

Conditions:
Hyperphosphatasia with impaired intellectual development syndrome 2. Also called: Hyperphosphatasia with intellectual disability syndrome 2; GLYCOSYLPHOSPHATIDYLINOSITOL BIOSYNTHESIS DEFECT 6. Identifiers: Orphanet 247262, MedGen C3553637, MONDO:0013882, OMIM 614749.

Allele frequency attached by ClinVar (database versions not stated): gnomAD 0.00001; TOPMed 0.00001; gnomAD exomes below 0.00001.

Submission:

Labcorp Genetics (formerly Invitae), Labcorp
Classification: Uncertain significance for Hyperphosphatasia with impaired intellectual development syndrome 2. Last evaluated: 2017-11-05. Review status: criteria provided, single submitter. Criteria: Invitae Variant Classification Sherloc (09022015). Collection method: clinical testing. Allele origin: germline.
Comment: This sequence change replaces leucine with isoleucine at codon 694 of the PIGO protein (p.Leu694Ile). The leucine residue is highly conserved and there is a small physicochemical difference between leucine and isoleucine. In summary, the available evidence is currently insufficient to determine the role of this variant in disease. Therefore, it has been classified as a Variant of Uncertain Significance. Algorithms developed to predict the effect of missense changes on protein structure and function do not agree on the potential impact of this missense change (SIFT: "Deleterious"; PolyPhen-2: "Probably Damaging"; Align-GVGD: "Class C0"). This variant has not been reported in the literature in individuals with PIGO-related disease. This variant is not present in population databases (ExAC no frequency).

NM_032634.4(PIGO):c.2080C>A (p.Leu694Ile)

Gene: PIGO (phosphatidylinositol glycan anchor biosynthesis class O; minus strand). Cytogenetic location: 9p13.3.
Variant type: single nucleotide variant.
Coding change: c.2080C>A on transcript NM_032634.4 (MANE Select); coding-DNA position 2080, C replaced by A.
Protein change: p.Leu694Ile; replaces leucine 694 with isoleucine.
Molecular consequence: missense variant. On other transcripts: intron variant (2).
Genome position (GRCh38, 1-based): chr9:35,091,807, G>T on the plus strand (C>A on the coding strand, the complement: PIGO is on the minus strand). VCF-style: chr9-35091807-G-T. GRCh37 (hg19) VCF-style: chr9-35091804-G-T.
Other names: c.1345-516C>A (NM_152850.4, NM_001201484.2); short protein forms L694I.
Identifiers: ClinVar variation 540447 (VCV000540447.8), dbSNP rs1489661507, ClinGen allele CA373320828.
Genomic context (GRCh38, chr9:35,091,807, plus strand): 5'-CCAATGCCATTAGGGGCAGTCCCCAGCGCACAAAGAGCATGGGTGGCTCGGGGCTCTTGA[G>T]ATTACCATAGCGGCGAAGCCACAAGCGCACGGCAGCTAACAGGGCCACCAGCGCCGCCAC-3'
Protein context (NP_116023.2, residues 684-704): VRLWLRRYGN[Leu694Ile]KSPEPPMLFV